The following is an entry in ClinVar:

ClinVar aggregate classification (germline): Uncertain significance (1 of 4 stars; one submission).

Conditions:
BAP1-related tumor predisposition syndrome (TPDS1). Also called: BAP1 tumor predisposition syndrome; Tumor susceptibility linked to germline BAP1 mutations; COMMON Syndrome; TUMOR PREDISPOSITION SYNDROME 1. Identifiers: Orphanet 289539, MedGen C3280492, MONDO:0013692, OMIM 614327.

Submission:

Labcorp Genetics (formerly Invitae), Labcorp
Classification: Uncertain significance for BAP1-related tumor predisposition syndrome. Last evaluated: 2021-05-25. Review status: criteria provided, single submitter. Criteria: Invitae Variant Classification Sherloc (09022015). Collection method: clinical testing. Allele origin: germline.
Comment: In summary, the available evidence is currently insufficient to determine the role of this variant in disease. Therefore, it has been classified as a Variant of Uncertain Significance. Algorithms developed to predict the effect of missense changes on protein structure and function (SIFT, PolyPhen-2, Align-GVGD) all suggest that this variant is likely to be tolerated, but these predictions have not been confirmed by published functional studies and their clinical significance is uncertain. This variant has not been reported in the literature in individuals with BAP1-related conditions. This variant is not present in population databases (ExAC no frequency). This sequence change replaces cysteine with glycine at codon 543 of the BAP1 protein (p.Cys543Gly). The cysteine residue is moderately conserved and there is a large physicochemical difference between cysteine and glycine.

NM_004656.4(BAP1):c.1627T>G (p.Cys543Gly)

Gene: BAP1 (BRCA1 associated deubiquitinase 1; minus strand). Cytogenetic location: 3p21.1.
Variant type: single nucleotide variant.
Coding change: c.1627T>G on transcript NM_004656.4 (MANE Select); coding-DNA position 1627, T replaced by G.
Protein change: p.Cys543Gly; replaces cysteine 543 with glycine.
Molecular consequence: missense variant.
Genome position (GRCh38, 1-based): chr3:52,403,518, A>C on the plus strand (T>G on the coding strand, the complement: BAP1 is on the minus strand). VCF-style: chr3-52403518-A-C. GRCh37 (hg19) VCF-style: chr3-52437534-A-C.
Other names: short protein forms C543G.
Identifiers: ClinVar variation 1478158 (VCV001478158.8), dbSNP rs2153226631, ClinGen allele CA353100223.
Genomic context (GRCh38, chr3:52,403,518, plus strand): 5'-GCAGCAGGCCTGTGCTGATGACAGGACCCAGATCACGGACAGCACGGTTGTAGCGTATGC[A>C]GTCAACACGCAGCAGGCTGTCATCCTCTCCAAAAAGCACCTTGGAGATGTGGGAGGTGAC-3'
Protein context (NP_004647.1, residues 533-553): GEDDSLLRVD[Cys543Gly]IRYNRAVRDL